The following is an entry in ClinVar:

NM_000562.3(C8A):c.1367T>C (p.Val456Ala)

Gene: C8A (complement C8 alpha chain; plus strand). Cytogenetic location: 1p32.2.
Variant type: single nucleotide variant.
Coding change: c.1367T>C on transcript NM_000562.3 (MANE Select); coding-DNA position 1367, T replaced by C.
Protein change: p.Val456Ala; replaces valine 456 with alanine.
Molecular consequence: missense variant.
Genome position (GRCh38, 1-based): chr1:56,908,100, T>C. VCF-style: chr1-56908100-T-C. GRCh37 (hg19) VCF-style: chr1-57373773-T-C.
Other names: short protein forms V456A.
Identifiers: ClinVar variation 2181712 (VCV002181712.3), dbSNP rs771725839, ClinGen allele CA875343.

ClinVar aggregate classification (germline): Uncertain significance. Review status: criteria provided, multiple submitters, no conflicts (2 of 4 stars). 2 submissions from 2 submitters: Uncertain significance (2). Last evaluated 2023-01-24.

Allele frequency attached by ClinVar (database versions not stated): TOPMed below 0.00001; ExAC 0.00001; gnomAD 0.00001.
gnomAD v4.1: 6 of 1,614,034 alleles (0.00037%); highest among the groups gnomAD compares: Non-Finnish European, 0.00051%; no homozygotes.

Submissions (2):

Ambry Genetics
Classification: Uncertain significance. Last evaluated: 2023-01-24. Review status: criteria provided, single submitter. Criteria: Ambry Variant Classification Scheme 2023. Collection method: clinical testing. Allele origin: germline.

Labcorp Genetics (formerly Invitae), Labcorp
Classification: Uncertain significance. Last evaluated: 2022-07-24. Review status: criteria provided, single submitter. Criteria: Invitae Variant Classification Sherloc (09022015). Collection method: clinical testing. Allele origin: germline.
Comment: This sequence change replaces valine, which is neutral and non-polar, with alanine, which is neutral and non-polar, at codon 456 of the C8A protein (p.Val456Ala). This variant is present in population databases (rs771725839, gnomAD 0.002%). This variant has not been reported in the literature in individuals affected with C8A-related conditions. Algorithms developed to predict the effect of missense changes on protein structure and function (SIFT, PolyPhen-2, Align-GVGD) all suggest that this variant is likely to be disruptive. In summary, the available evidence is currently insufficient to determine the role of this variant in disease. Therefore, it has been classified as a Variant of Uncertain Significance.